The following is an entry in ClinVar:

ClinVar aggregate classification (germline): Pathogenic/Likely pathogenic. Review status: criteria provided, multiple submitters, no conflicts (2 of 4 stars). 2 submissions from 2 submitters: Pathogenic (1); Likely pathogenic (1). Last evaluated 2023-08-31.

Conditions:
POC1B-related disorder. Also called: POC1B-related condition.

Allele frequency attached by ClinVar (database versions not stated): gnomAD exomes below 0.00001 and 0.00001; ExAC 0.00001; TOPMed 0.00001.
gnomAD v4.1: 8 of 1,613,784 alleles (0.0005%); highest among the groups gnomAD compares: African/African-American, 0.0027%; no homozygotes.

Submissions (2):

Labcorp Genetics (formerly Invitae), Labcorp
Classification: Pathogenic. Last evaluated: 2023-08-31. Review status: criteria provided, single submitter. Criteria: Invitae Variant Classification Sherloc (09022015). Collection method: clinical testing. Allele origin: germline.
Comment: For these reasons, this variant has been classified as Pathogenic. ClinVar contains an entry for this variant (Variation ID: 866170). This variant has not been reported in the literature in individuals affected with POC1B-related conditions. This variant is present in population databases (rs769102771, gnomAD 0.003%). This sequence change creates a premature translational stop signal (p.Arg80*) in the POC1B gene. It is expected to result in an absent or disrupted protein product. Loss-of-function variants in POC1B are known to be pathogenic (PMID: 25018096, 29220607).

Blueprint Genetics
Classification: Likely pathogenic for POC1B-related disorders. Last evaluated: 2021-11-17. Review status: criteria provided, single submitter. Criteria: ACMG Guidelines, 2015. Collection method: clinical testing. Allele origin: germline. Affected: yes. Observed: 3 variant alleles.

Literature cited by the submitters: PubMed 25018096 (cited by Labcorp Genetics (formerly Invitae), Labcorp); PubMed 29220607 (cited by Labcorp Genetics (formerly Invitae), Labcorp).

NM_172240.3(POC1B):c.238C>T (p.Arg80Ter)

Genes: POC1B (POC1 centriolar protein B; minus strand), POC1B-DUSP6 (POC1B-DUSP6 readthrough; minus strand). Cytogenetic location: 12q21.33.
Variant type: single nucleotide variant.
Coding change: c.238C>T on transcript NM_172240.3 (MANE Select); coding-DNA position 238, C replaced by T.
Protein change: p.Arg80Ter; replaces arginine 80 with a stop codon.
Molecular consequence: nonsense.
Genome position (GRCh38, 1-based): chr12:89,497,205, G>A on the plus strand (C>T on the coding strand, the complement: POC1B is on the minus strand). VCF-style: chr12-89497205-G-A. GRCh37 (hg19) VCF-style: chr12-89890982-G-A.
Other names: c.112C>T, p.Arg38Ter (NM_001199777.2); short protein forms R80*, R38*.
Identifiers: ClinVar variation 866170 (VCV000866170.8), dbSNP rs769102771, ClinGen allele CA6714576.
Genomic context (GRCh38, chr12:89,497,205, plus strand): 5'-ATCAAGTGTTTCTTTGTTTCTCTTACTTATCAGGAATCCAGAGTCTCACGGTTCTGTCTC[G>A]TGAGGCAGACGCCAATAAGTTTCCATGTGGAGAAAACTGCACGCTGGTTACAACATCCTT-3'